The following is an entry in ClinVar:

ClinVar aggregate classification (germline): Uncertain significance (1 of 4 stars; one submission).

Conditions:
MAP3K1-related disorder. Also called: MAP3K1-related condition.

gnomAD v4.1: 15 of 1,380,800 alleles (0.0011%); highest among the groups gnomAD compares: African/African-American, 0.021%; no homozygotes.

Submission:

PreventionGenetics, part of Exact Sciences
Classification: Uncertain significance for MAP3K1-related condition. Last evaluated: 2026-02-23. Review status: criteria provided, single submitter. Criteria: ACMG Guidelines, 2015. Collection method: clinical testing. Allele origin: germline.
Comment: The MAP3K1 c.187C>T variant is predicted to result in the amino acid substitution p.Arg63Cys. To our knowledge, this variant has not been reported in the literature. This variant is reported in 0.024% of alleles in individuals of African descent in gnomAD. At this time, the clinical significance of this variant is uncertain due to the absence of conclusive functional and genetic evidence.

NM_005921.2(MAP3K1):c.187C>T (p.Arg63Cys)

Genes: MAP3K1 (mitogen-activated protein kinase kinase kinase 1; plus strand), LOC129993918 (ATAC-STARR-seq lymphoblastoid silent region 16021; plus strand). Cytogenetic location: 5q11.2.
Variant type: single nucleotide variant.
Coding change: c.187C>T on transcript NM_005921.2 (MANE Select); coding-DNA position 187, C replaced by T.
Protein change: p.Arg63Cys; replaces arginine 63 with cysteine.
Molecular consequence: missense variant.
Genome position (GRCh38, 1-based): chr5:56,815,760, C>T. VCF-style: chr5-56815760-C-T. GRCh37 (hg19) VCF-style: chr5-56111587-C-T.
Other names: short protein forms R63C.
Identifiers: ClinVar variation 4992074 (VCV004992074.1).